The following is an entry in ClinVar:

NM_013275.6(ANKRD11):c.7591G>A (p.Glu2531Lys)

Gene: ANKRD11 (ankyrin repeat domain 11; minus strand). Cytogenetic location: 16q24.3.
Variant type: single nucleotide variant.
Coding change: c.7591G>A on transcript NM_013275.6 (MANE Select); coding-DNA position 7591, G replaced by A.
Protein change: p.Glu2531Lys; replaces glutamic acid 2531 with lysine.
Molecular consequence: missense variant.
Genome position (GRCh38, 1-based): chr16:89,274,936, C>T on the plus strand (G>A on the coding strand, the complement: ANKRD11 is on the minus strand). VCF-style: chr16-89274936-C-T. GRCh37 (hg19) VCF-style: chr16-89341344-C-T.
Other names: c.7591G>A, p.Glu2531Lys (NM_001256182.2, NM_001256183.2); short protein forms E2531K.
Identifiers: ClinVar variation 1058061 (VCV001058061.9), dbSNP rs2151701956, ClinGen allele CA397147716.
Genomic context (GRCh38, chr16:89,274,936, plus strand): 5'-GCACTGCCTGGTTGGCGATGGTCCTGGCCGCCCGGCAGTGAACCCGCAGAATCTCCTGCT[C>T]ACAGGATACGATCAGCTTCTCCTGAAGGAGGAGAGGAGTAGAGTGAGCTGGGACACAGCC-3'
Protein context (NP_037407.4, residues 2521-2541): IEREKLIVSC[Glu2531Lys]QEILRVHCRA

ClinVar aggregate classification (germline): Uncertain significance (1 of 4 stars; one submission).

Conditions:
KBG syndrome (KBGS). Also called: ANKRD11-Related KBG Syndrome. Identifiers: Orphanet 2332, MedGen C0220687, MONDO:0007846, OMIM 148050.

Submission:

Labcorp Genetics (formerly Invitae), Labcorp
Classification: Uncertain significance for KBG syndrome. Last evaluated: 2024-01-18. Review status: criteria provided, single submitter. Criteria: Invitae Variant Classification Sherloc (09022015). Collection method: clinical testing. Allele origin: germline.
Comment: This sequence change replaces glutamic acid, which is acidic and polar, with lysine, which is basic and polar, at codon 2531 of the ANKRD11 protein (p.Glu2531Lys). This variant is not present in population databases (gnomAD no frequency). This variant has not been reported in the literature in individuals affected with ANKRD11-related conditions. ClinVar contains an entry for this variant (Variation ID: 1058061). Advanced modeling of protein sequence and biophysical properties (such as structural, functional, and spatial information, amino acid conservation, physicochemical variation, residue mobility, and thermodynamic stability) performed at Invitae indicates that this missense variant is not expected to disrupt ANKRD11 protein function with a negative predictive value of 80%. In summary, the available evidence is currently insufficient to determine the role of this variant in disease. Therefore, it has been classified as a Variant of Uncertain Significance.